The following is an entry in ClinVar:

ClinVar aggregate classification (germline): Uncertain significance (1 of 4 stars; one submission).

Allele frequency attached by ClinVar (database versions not stated): gnomAD exomes below 0.00001; gnomAD 0.00001.
gnomAD v4.1: 2 of 1,578,006 alleles (0.00013%); highest among the groups gnomAD compares: South Asian, 0.0012%; no homozygotes.

Submission:

Labcorp Genetics (formerly Invitae), Labcorp
Classification: Uncertain significance. Last evaluated: 2025-03-18. Review status: criteria provided, single submitter. Criteria: Invitae Variant Classification Sherloc (09022015). Collection method: clinical testing. Allele origin: germline.
Comment: This sequence change replaces cysteine, which is neutral and slightly polar, with tyrosine, which is neutral and polar, at codon 136 of the DDX58 protein (p.Cys136Tyr). This variant is not present in population databases (gnomAD no frequency). This variant has not been reported in the literature in individuals affected with DDX58-related conditions. ClinVar contains an entry for this variant (Variation ID: 1381453). An algorithm developed to predict the effect of missense changes on protein structure and function outputs the following: PolyPhen-2: "Benign". The tyrosine amino acid residue is found in multiple mammalian species, which suggests that this missense change does not adversely affect protein function. In summary, the available evidence is currently insufficient to determine the role of this variant in disease. Therefore, it has been classified as a Variant of Uncertain Significance.

NM_014314.4(RIGI):c.407G>A (p.Cys136Tyr)

Gene: RIGI (RNA sensor RIG-I; minus strand). Cytogenetic location: 9p21.1.
Variant type: single nucleotide variant.
Coding change: c.407G>A on transcript NM_014314.4 (MANE Select); coding-DNA position 407, G replaced by A.
Protein change: p.Cys136Tyr; replaces cysteine 136 with tyrosine.
Molecular consequence: missense variant. On other transcripts: 5 prime UTR variant (3).
Genome position (GRCh38, 1-based): chr9:32,493,777, C>T on the plus strand (G>A on the coding strand, the complement: RIGI is on the minus strand). VCF-style: chr9-32493777-C-T. GRCh37 (hg19) VCF-style: chr9-32493775-C-T.
Other names: c.407G>A, p.Cys136Tyr (NM_001385907.1, NM_001385909.1, NM_001385913.1); c.-48G>A (NM_001385910.1, NM_001385914.1); c.-55G>A (NM_001385912.1); short protein forms C136Y.
Identifiers: ClinVar variation 1381453 (VCV001381453.8), dbSNP rs1824174018, ClinGen allele CA373164401.